The following is an entry in ClinVar:

NM_000078.3(CETP):c.373G>T (p.Gly125Cys)

Gene: CETP (cholesteryl ester transfer protein; plus strand). Cytogenetic location: 16q13.
Variant type: single nucleotide variant.
Coding change: c.373G>T on transcript NM_000078.3 (MANE Select); coding-DNA position 373, G replaced by T.
Protein change: p.Gly125Cys; replaces glycine 125 with cysteine.
Molecular consequence: missense variant.
Genome position (GRCh38, 1-based): chr16:56,969,615, G>T. VCF-style: chr16-56969615-G-T. GRCh37 (hg19) VCF-style: chr16-57003527-G-T.
Other names: c.373G>T, p.Gly125Cys (NM_001286085.2); short protein forms G125C.
Identifiers: ClinVar variation 4749210 (VCV004749210.1).

ClinVar aggregate classification (germline): Uncertain significance (1 of 4 stars; one submission).

Submission:

Labcorp Genetics (formerly Invitae), Labcorp
Classification: Uncertain significance. Last evaluated: 2025-11-24. Review status: criteria provided, single submitter. Criteria: Invitae Variant Classification Sherloc (09022015). Collection method: clinical testing. Allele origin: germline.
Comment: This sequence change replaces glycine, which is neutral and non-polar, with cysteine, which is neutral and slightly polar, at codon 125 of the CETP protein (p.Gly125Cys). This variant is not present in population databases (gnomAD no frequency). This variant has not been reported in the literature in individuals affected with CETP-related conditions. Invitae Evidence Modeling of protein sequence and biophysical properties (such as structural, functional, and spatial information, amino acid conservation, physicochemical variation, residue mobility, and thermodynamic stability) indicates that this missense variant is not expected to disrupt CETP protein function with a negative predictive value of 80%. In summary, the available evidence is currently insufficient to determine the role of this variant in disease. Therefore, it has been classified as a Variant of Uncertain Significance.